The following is an entry in ClinVar:

NM_000064.4(C3):c.4823C>T (p.Ser1608Phe)

Gene: C3 (complement C3; minus strand). Cytogenetic location: 19p13.3.
Variant type: single nucleotide variant.
Coding change: c.4823C>T on transcript NM_000064.4 (MANE Select); coding-DNA position 4823, C replaced by T.
Protein change: p.Ser1608Phe; replaces serine 1608 with phenylalanine.
Molecular consequence: missense variant.
Genome position (GRCh38, 1-based): chr19:6,678,179, G>A on the plus strand (C>T on the coding strand, the complement: C3 is on the minus strand). VCF-style: chr19-6678179-G-A. GRCh37 (hg19) VCF-style: chr19-6678190-G-A.
Other names: short protein forms S1608F.
Identifiers: ClinVar variation 1382165 (VCV001382165.6), dbSNP rs2145388688, ClinGen allele CA403610899.

ClinVar aggregate classification (germline): Uncertain significance (1 of 4 stars; one submission).

Submission:

Labcorp Genetics (formerly Invitae), Labcorp
Classification: Uncertain significance. Last evaluated: 2022-07-12. Review status: criteria provided, single submitter. Criteria: Invitae Variant Classification Sherloc (09022015). Collection method: clinical testing. Allele origin: germline.
Comment: This variant is not present in population databases (gnomAD no frequency). This sequence change replaces serine, which is neutral and polar, with phenylalanine, which is neutral and non-polar, at codon 1608 of the C3 protein (p.Ser1608Phe). This variant has not been reported in the literature in individuals affected with C3-related conditions. ClinVar contains an entry for this variant (Variation ID: 1382165). Algorithms developed to predict the effect of missense changes on protein structure and function are either unavailable or do not agree on the potential impact of this missense change (SIFT: "Tolerated"; PolyPhen-2: "Probably Damaging"; Align-GVGD: "Class C0"). In summary, the available evidence is currently insufficient to determine the role of this variant in disease. Therefore, it has been classified as a Variant of Uncertain Significance.